The following is an entry in ClinVar:

NM_001429.4(EP300):c.1155_1156del (p.Lys386fs)

Gene: EP300 (EP300 lysine acetyltransferase; plus strand). Cytogenetic location: 22q13.2.
Variant type: Deletion.
Coding change: c.1155_1156del on transcript NM_001429.4 (MANE Select); coding-DNA positions 1155 to 1156, 2 bases deleted (CA; older notation c.1155_1156delCA).
Protein change: p.Lys386fs; shifts the reading frame from lysine 386.
Molecular consequence: frameshift variant.
Genome position (GRCh38, 1-based): chr22:41,127,735-41,127,736, CA deleted. VCF-style (leftmost placement, unchanged base first): chr22-41127734-GCA-G. GRCh37 (hg19) VCF-style: chr22-41523738-GCA-G.
Other names: c.1155_1156del, p.Lys386fs (NM_001362843.2); short protein forms K386fs.
Identifiers: ClinVar variation 3338098 (VCV003338098.1).

ClinVar aggregate classification (germline): Likely pathogenic (0 of 4 stars; one submission).

Conditions:
Rubinstein-Taybi syndrome due to EP300 haploinsufficiency. Also called: EP300-Related Rubinstein-Taybi Syndrome; RUBINSTEIN-TAYBI SYNDROME 2. Identifiers: Orphanet 353284, Orphanet 783, MedGen C3150941, MONDO:0013364, OMIM 613684.

Submission:

Solve-RD Consortium
Classification: Likely pathogenic for Rubinstein-Taybi syndrome due to EP300 haploinsufficiency. Last evaluated: 2022-06-01. Review status: no assertion criteria provided. Collection method: provider interpretation. Allele origin: de novo. Affected: yes.
Comment: Variant confirmed as disease-causing by referring clinical team

Variant identified during reanalysis of unsolved cases by the Solve-RD project. The Solve-RD project has received funding from the European Union’s Horizon 2020 research and innovation programme under grant agreement No 779257.

Literature cited by the submitters: PubMed 39825153.